The following is an entry in ClinVar:

ClinVar aggregate classification (germline): Pathogenic (1 of 4 stars; one submission).

Conditions:
Charcot-Marie-Tooth disease type 4. Also called: Charcot-Marie-Tooth disease, type IV; Charcot-Marie-Tooth, Type 4. Identifiers: Orphanet 64749, MedGen C4082197, MONDO:0018995.

Submission:

Labcorp Genetics (formerly Invitae), Labcorp
Classification: Pathogenic for Charcot-Marie-Tooth disease type 4. Last evaluated: 2023-08-01. Review status: criteria provided, single submitter. Criteria: Invitae Variant Classification Sherloc (09022015). Collection method: clinical testing. Allele origin: germline.
Comment: This variant disrupts a region of the PRX protein in which other variant(s) (p.Gln1169*) have been determined to be pathogenic (Invitae). This suggests that this is a clinically significant region of the protein, and that variants that disrupt it are likely to be disease-causing. This variant has not been reported in the literature in individuals affected with PRX-related conditions. This variant is not present in population databases (gnomAD no frequency). This sequence change creates a premature translational stop signal (p.Gly334Valfs*15) in the PRX gene. While this is not anticipated to result in nonsense mediated decay, it is expected to disrupt the last 1128 amino acid(s) of the PRX protein. For these reasons, this variant has been classified as Pathogenic.

NM_181882.3(PRX):c.1001_1022del (p.Gly334fs)

Gene: PRX (periaxin; minus strand). Cytogenetic location: 19q13.2.
Variant type: Deletion.
Coding change: c.1001_1022del on transcript NM_181882.3 (MANE Select); coding-DNA positions 1001 to 1022, 22 bases deleted (GGGTGGACCTGGCCTTGCCGGG).
Protein change: p.Gly334fs; shifts the reading frame from glycine 334.
Molecular consequence: frameshift variant. On other transcripts: 3 prime UTR variant (1).
Genome position (GRCh38, 1-based): chr19:40,397,330-40,397,351, CCCGGCAAGGCCAGGTCCACCC deleted on the plus strand (GGGTGGACCTGGCCTTGCCGGG on the coding strand, the reverse complement: PRX is on the minus strand); deleting any 22 consecutive bases within chr19:40,397,330-40,397,353 gives the same sequence; the c. name uses the placement nearest the transcript's 3' end. VCF-style (leftmost placement, unchanged base first): chr19-40397329-ACCCGGCAAGGCCAGGTCCACCC-A. GRCh37 (hg19) VCF-style: chr19-40903236-ACCCGGCAAGGCCAGGTCCACCC-A.
Other names: c.1286_1307del, p.Gly429fs (NM_001411127.1); c.*1206_*1227del (NM_020956.2); short protein forms G334fs, G429fs.
Identifiers: ClinVar variation 3018157 (VCV003018157.3), dbSNP rs1163615607, ClinGen allele CA882219099.